The following is an entry in ClinVar:

NM_001164508.2(NEB):c.8597A>G (p.Asp2866Gly)

Gene: NEB (nebulin; minus strand). Cytogenetic location: 2q23.3.
Variant type: single nucleotide variant.
Coding change: c.8597A>G on transcript NM_001164508.2 (MANE Select); coding-DNA position 8597, A replaced by G.
Protein change: p.Asp2866Gly; replaces aspartic acid 2866 with glycine.
Molecular consequence: missense variant.
Genome position (GRCh38, 1-based): chr2:151,640,443, T>C on the plus strand (A>G on the coding strand, the complement: NEB is on the minus strand). VCF-style: chr2-151640443-T-C. GRCh37 (hg19) VCF-style: chr2-152496957-T-C.
Other names: c.8597A>G (NM_001271208.1); c.8597A>G, p.Asp2866Gly (NM_001164507.2, NM_001271208.2, NM_004543.5); short protein forms D2866G.
Identifiers: ClinVar variation 1419478 (VCV001419478.7), dbSNP rs370002964, ClinGen allele CA57664911.

ClinVar aggregate classification (germline): Uncertain significance. Review status: criteria provided, multiple submitters, no conflicts (2 of 4 stars). 2 submissions from 2 submitters: Uncertain significance (2). Last evaluated 2022-06-27.

Conditions:
Nemaline myopathy 2 (NEM2). Also called: Nemaline myopathy 2, autosomal recessive. Identifiers: MedGen C1850569, MONDO:0009725, OMIM 256030.

Allele frequency attached by ClinVar (database versions not stated): gnomAD exomes 0.00001; ESP Exome Variant Server 0.00008.
gnomAD v4.1: 15 of 1,613,994 alleles (0.00093%); highest among the groups gnomAD compares: Non-Finnish European, 0.0013%; no homozygotes.

Submissions (2):

Labcorp Genetics (formerly Invitae), Labcorp
Classification: Uncertain significance for Nemaline myopathy 2. Last evaluated: 2022-06-27. Review status: criteria provided, single submitter. Criteria: Invitae Variant Classification Sherloc (09022015). Collection method: clinical testing. Allele origin: germline.
Comment: This sequence change replaces aspartic acid, which is acidic and polar, with glycine, which is neutral and non-polar, at codon 2866 of the NEB protein (p.Asp2866Gly). This variant is not present in population databases (gnomAD no frequency). This variant has not been reported in the literature in individuals affected with NEB-related conditions. Algorithms developed to predict the effect of missense changes on protein structure and function are either unavailable or do not agree on the potential impact of this missense change (SIFT: "Deleterious"; PolyPhen-2: "Not Available"; Align-GVGD: "Class C0"). In summary, the available evidence is currently insufficient to determine the role of this variant in disease. Therefore, it has been classified as a Variant of Uncertain Significance.

Revvity Omics, Revvity
Classification: Uncertain significance. Last evaluated: 2019-09-05. Review status: criteria provided, single submitter. Criteria: ACMG Guidelines, 2015. Collection method: clinical testing. Allele origin: germline.